The following is an entry in ClinVar:

ClinVar aggregate classification (germline): Uncertain significance (1 of 4 stars; one submission).

Allele frequency attached by ClinVar (database versions not stated): gnomAD exomes below 0.00001.
gnomAD v4.1: 1 of 1,613,850 alleles (0.000062%); highest among the groups gnomAD compares: South Asian, 0.0011%; no homozygotes.

Submission:

GeneDx
Classification: Uncertain significance. Last evaluated: 2022-08-15. Review status: criteria provided, single submitter. Criteria: GeneDx Variant Classification Process June 2021. Collection method: clinical testing. Allele origin: germline. Affected: yes.
Comment: Not observed at significant frequency in large population cohorts (gnomAD); In silico analysis supports that this missense variant does not alter protein structure/function; Has not been previously published as pathogenic or benign to our knowledge

NM_030632.3(ASXL3):c.6553G>A (p.Ala2185Thr)

Gene: ASXL3 (ASXL transcriptional regulator 3; plus strand). Cytogenetic location: 18q12.1.
Variant type: single nucleotide variant.
Coding change: c.6553G>A on transcript NM_030632.3 (MANE Select); coding-DNA position 6553, G replaced by A.
Protein change: p.Ala2185Thr; replaces alanine 2185 with threonine.
Molecular consequence: missense variant.
Genome position (GRCh38, 1-based): chr18:33,746,401, G>A. VCF-style: chr18-33746401-G-A. GRCh37 (hg19) VCF-style: chr18-31326365-G-A.
Other names: short protein forms A2185T.
Identifiers: ClinVar variation 2430665 (VCV002430665.1), dbSNP rs2510935137, ClinGen allele CA402197126.
Genomic context (GRCh38, chr18:33,746,401, plus strand): 5'-AAAAGGGCAGCATCTGCAATTGAAAAGTCCATTGGGATTTTGGGAAGTGGCTCCAATCCT[G>A]CCACAGGCTTGTCTGGTCAGAACGCTCAGATGCCCGTTCAGAACTTTGCCGACAGCAGCA-3'
Protein context (NP_085135.1, residues 2175-2195): IGILGSGSNP[Ala2185Thr]TGLSGQNAQM